The following is an entry in ClinVar:

ClinVar aggregate classification (germline): Uncertain significance (1 of 4 stars; one submission).

Allele frequency attached by ClinVar (database versions not stated): gnomAD exomes below 0.00001 and 0.00001; ExAC 0.00002.
gnomAD v4.1: 2 of 1,208,550 alleles (0.00017%); highest among the groups gnomAD compares: Admixed American, 0.0022%; no homozygotes.

Submission:

Labcorp Genetics (formerly Invitae), Labcorp
Classification: Uncertain significance. Last evaluated: 2022-10-05. Review status: criteria provided, single submitter. Criteria: Invitae Variant Classification Sherloc (09022015). Collection method: clinical testing. Allele origin: germline.
Comment: This sequence change replaces isoleucine, which is neutral and non-polar, with valine, which is neutral and non-polar, at codon 302 of the SH3KBP1 protein (p.Ile302Val). In summary, the available evidence is currently insufficient to determine the role of this variant in disease. Therefore, it has been classified as a Variant of Uncertain Significance. Advanced modeling of protein sequence and biophysical properties (such as structural, functional, and spatial information, amino acid conservation, physicochemical variation, residue mobility, and thermodynamic stability) performed at Invitae indicates that this missense variant is not expected to disrupt SH3KBP1 protein function. ClinVar contains an entry for this variant (Variation ID: 1487294). This variant has not been reported in the literature in individuals affected with SH3KBP1-related conditions. This variant is present in population databases (rs773077801, gnomAD 0.004%).

NM_031892.3(SH3KBP1):c.904A>G (p.Ile302Val)

Gene: SH3KBP1 (SH3 domain containing kinase binding protein 1; minus strand). Cytogenetic location: Xp22.12.
Variant type: single nucleotide variant.
Coding change: c.904A>G on transcript NM_031892.3 (MANE Select); coding-DNA position 904, A replaced by G.
Protein change: p.Ile302Val; replaces isoleucine 302 with valine.
Molecular consequence: missense variant.
Genome position (GRCh38, 1-based): chrX:19,608,039, T>C on the plus strand (A>G on the coding strand, the complement: SH3KBP1 is on the minus strand). VCF-style: chrX-19608039-T-C. GRCh37 (hg19) VCF-style: chrX-19626157-T-C.
Other names: c.793A>G, p.Ile265Val (NM_001024666.3); c.190A>G, p.Ile64Val (NM_001184960.2, NM_001353897.2); c.904A>G, p.Ile302Val (NM_001353890.2); c.979A>G, p.Ile327Val (NM_001353891.2, NM_001353892.2); c.802A>G, p.Ile268Val (NM_001353893.2, NM_001353894.2); c.859A>G, p.Ile287Val (NM_001353895.2); short protein forms I287V, I327V, I265V, I302V, I64V, I268V.
Identifiers: ClinVar variation 1487294 (VCV001487294.6), dbSNP rs773077801, ClinGen allele CA10364692.
Genomic context (GRCh38, chrX:19,608,039, plus strand): 5'-AGTTATCGGGGAACACGCCTCGTCTGCCGTTCAGCTCTCCTTCCCACCAGCCTACGTCGA[T>C]GCAGTCCTAGAAAACAGGAGAACAGAGAGTGAGAGATGGGGGCAAGCAGCCTCCAGAGGG-3'
Protein context (NP_114098.1, residues 292-312): DIVTLINKDC[Ile302Val]DVGWWEGELN